The following is an entry in ClinVar:

NM_032977.4(CASP10):c.601G>T (p.Val201Leu)

Gene: CASP10 (caspase 10; plus strand). Cytogenetic location: 2q33.1.
Variant type: single nucleotide variant.
Coding change: c.601G>T on transcript NM_032977.4 (MANE Select); coding-DNA position 601, G replaced by T.
Protein change: p.Val201Leu; replaces valine 201 with leucine.
Molecular consequence: missense variant.
Genome position (GRCh38, 1-based): chr2:201,195,865, G>T. VCF-style: chr2-201195865-G-T. GRCh37 (hg19) VCF-style: chr2-202060588-G-T.
Other names: c.601G>T, p.Val201Leu (NM_001206524.2, NM_001206542.2, NM_001230.5 and 3 more transcripts); short protein forms V201L.
Identifiers: ClinVar variation 1356014 (VCV001356014.8), dbSNP rs755710677, ClinGen allele CA350279509.
Genomic context (GRCh38, chr2:201,195,865, plus strand): 5'-GTGATTTTTATTTTTCTGTCTGTGATTTTATTTTCAGCTATCCAGATAGTGACACCTCCT[G>T]TAGACAAGGAAGCCGAGTCGTATCAAGGAGAGGAAGAACTAGTTTCCCAAACAGATGTTA-3'
Protein context (NP_116759.2, residues 191-211): EKAIQIVTPP[Val201Leu]DKEAESYQGE

ClinVar aggregate classification (germline): Uncertain significance (1 of 4 stars; one submission).

Conditions:
Autoimmune lymphoproliferative syndrome type 2A (ALPS2A). Also called: AUTOIMMUNE LYMPHOPROLIFERATIVE SYNDROME, TYPE IIA; CASP10-Related Autoimmune Lymphoproliferative Syndrome; Autoimmune lymphoproliferative syndrome type 2. Identifiers: Orphanet 3261, MedGen C1858968, MONDO:0011383, OMIM 603909.

gnomAD v4.1: 4 of 1,613,470 alleles (0.00025%); highest among the groups gnomAD compares: Non-Finnish European, 0.00034%; no homozygotes.

Submission:

Labcorp Genetics (formerly Invitae), Labcorp
Classification: Uncertain significance for Autoimmune lymphoproliferative syndrome type 2A. Last evaluated: 2022-11-15. Review status: criteria provided, single submitter. Criteria: Invitae Variant Classification Sherloc (09022015). Collection method: clinical testing. Allele origin: germline.
Comment: In summary, the available evidence is currently insufficient to determine the role of this variant in disease. Therefore, it has been classified as a Variant of Uncertain Significance. Advanced modeling of protein sequence and biophysical properties (such as structural, functional, and spatial information, amino acid conservation, physicochemical variation, residue mobility, and thermodynamic stability) performed at Invitae indicates that this missense variant is not expected to disrupt CASP10 protein function. ClinVar contains an entry for this variant (Variation ID: 1356014). This variant has not been reported in the literature in individuals affected with CASP10-related conditions. This variant is present in population databases (no rsID available, gnomAD 0.0009%). This sequence change replaces valine, which is neutral and non-polar, with leucine, which is neutral and non-polar, at codon 201 of the CASP10 protein (p.Val201Leu).